The following is an entry in ClinVar:

NM_018979.4(WNK1):c.4130T>A (p.Val1377Glu)

Gene: WNK1 (WNK lysine deficient protein kinase 1; plus strand). Cytogenetic location: 12p13.33.
Variant type: single nucleotide variant.
Coding change: c.4130T>A on transcript NM_018979.4 (MANE Select); coding-DNA position 4130, T replaced by A.
Protein change: p.Val1377Glu; replaces valine 1377 with glutamic acid.
Molecular consequence: missense variant.
Genome position (GRCh38, 1-based): chr12:884,934, T>A. VCF-style: chr12-884934-T-A. GRCh37 (hg19) VCF-style: chr12-994100-T-A.
Other names: c.4910T>A, p.Val1637Glu (NM_001184985.2); c.3389T>A, p.Val1130Glu (NM_014823.3); c.4886T>A, p.Val1629Glu (NM_213655.5); short protein forms V1130E, V1377E, V1629E, V1637E.
Identifiers: ClinVar variation 1656182 (VCV001656182.10), dbSNP rs574069625, ClinGen allele CA6382921.

ClinVar aggregate classification (germline): Conflicting classifications of pathogenicity. Review status: criteria provided, conflicting classifications (1 of 4 stars). 2 submissions from 2 submitters: Uncertain significance (1); Likely benign (1). Last evaluated 2023-02-06.

Conditions:
Neuropathy, hereditary sensory and autonomic, type 2A (HSAN2A). Also called: HSAN IIA; ACROOSTEOLYSIS, GIACCAI TYPE; ACROOSTEOLYSIS, NEUROGENIC; MORVAN DISEASE; NEUROPATHY, CONGENITAL SENSORY; NEUROPATHY, HEREDITARY SENSORY RADICULAR, AUTOSOMAL RECESSIVE. Identifiers: Orphanet 970, MedGen C2752089, MONDO:0024309, OMIM 201300.
Pseudohypoaldosteronism type 2C (PHA2C). Also called: Pseudohypoaldosteronism Type IIC. Identifiers: Orphanet 757, Orphanet 88940, MedGen C1840391, MONDO:0013778, OMIM 614492.
Inborn genetic diseases. Identifiers: MedGen C0950123, MeSH D030342.

Allele frequency attached by ClinVar (database versions not stated): gnomAD 0.00005; gnomAD exomes 0.00005 and 0.00008; ExAC 0.00007; 1000 Genomes Project 30x 0.00016; 1000 Genomes Project 0.00020.
gnomAD v4.1: 75 of 1,614,178 alleles (0.0046%); highest among the groups gnomAD compares: South Asian, 0.081%; no homozygotes.

Submissions (2):

Labcorp Genetics (formerly Invitae), Labcorp
Classification: Likely benign for Neuropathy, hereditary sensory and autonomic, type 2A; Pseudohypoaldosteronism type 2C. Last evaluated: 2023-02-06. Review status: criteria provided, single submitter. Criteria: Invitae Variant Classification Sherloc (09022015). Collection method: clinical testing. Allele origin: germline.

Ambry Genetics
Classification: Uncertain significance for Inborn genetic diseases. Last evaluated: 2022-01-26. Review status: criteria provided, single submitter. Criteria: Ambry Variant Classification Scheme 2023. Collection method: clinical testing. Allele origin: germline.
Comment: The p.V1629E variant (also known as c.4886T>A), located in coding exon 19 of the WNK1 gene, results from a T to A substitution at nucleotide position 4886. The valine at codon 1629 is replaced by glutamic acid, an amino acid with dissimilar properties. This amino acid position is not well conserved in available vertebrate species. In addition, this alteration is predicted to be tolerated by in silico analysis. Since supporting evidence is limited at this time, the clinical significance of this alteration remains unclear.